The following is an entry in ClinVar:

ClinVar aggregate classification (germline): Uncertain significance (1 of 4 stars; one submission).

Submission:

Labcorp Genetics (formerly Invitae), Labcorp
Classification: Uncertain significance. Last evaluated: 2022-03-20. Review status: criteria provided, single submitter. Criteria: Invitae Variant Classification Sherloc (09022015). Collection method: clinical testing. Allele origin: germline.
Comment: This sequence change replaces isoleucine, which is neutral and non-polar, with threonine, which is neutral and polar, at codon 1344 of the CPLANE1 protein (p.Ile1344Thr). In summary, the available evidence is currently insufficient to determine the role of this variant in disease. Therefore, it has been classified as a Variant of Uncertain Significance. Algorithms developed to predict the effect of missense changes on protein structure and function output the following: SIFT: "Deleterious"; PolyPhen-2: "Benign"; Align-GVGD: "Class C0". The threonine amino acid residue is found in multiple mammalian species, which suggests that this missense change does not adversely affect protein function. This variant has not been reported in the literature in individuals affected with CPLANE1-related conditions. This variant is not present in population databases (gnomAD no frequency).

NM_001384732.1(CPLANE1):c.4031T>C (p.Ile1344Thr)

Gene: CPLANE1 (ciliogenesis and planar polarity effector complex subunit 1; minus strand). Cytogenetic location: 5p13.2.
Variant type: single nucleotide variant.
Coding change: c.4031T>C on transcript NM_001384732.1 (MANE Select); coding-DNA position 4031, T replaced by C.
Protein change: p.Ile1344Thr; replaces isoleucine 1344 with threonine.
Molecular consequence: missense variant.
Genome position (GRCh38, 1-based): chr5:37,187,463, A>G on the plus strand (T>C on the coding strand, the complement: CPLANE1 is on the minus strand). VCF-style: chr5-37187463-A-G. GRCh37 (hg19) VCF-style: chr5-37187565-A-G.
Other names: c.4031T>C, p.Ile1344Thr (NM_023073.4); short protein forms I1344T.
Identifiers: ClinVar variation 2115300 (VCV002115300.4), dbSNP rs1784390613, ClinGen allele CA359505321.
Genomic context (GRCh38, chr5:37,187,463, plus strand): 5'-AAGCACATTACCTTTCTGATTGGTGGCAGTTCTCCAATAAGGCTCAAAATTATATCCTGA[A>G]TAAGTTCTTCCATATTAAAAAACCGAGAGAAAGGCAGCATTCTATAAGCCCATTCCACTG-3'
Protein context (NP_001371661.1, residues 1334-1354): FSRFFNMEEL[Ile1344Thr]QDIILSLIGE